The following is an entry in ClinVar:

NM_006493.4(CLN5):c.524G>A (p.Trp175Ter)

Gene: CLN5 (CLN5 lysosomal BMP synthase; plus strand). Cytogenetic location: 13q22.3.
Variant type: single nucleotide variant.
Coding change: c.524G>A on transcript NM_006493.4 (MANE Select); coding-DNA position 524, G replaced by A.
Protein change: p.Trp175Ter; replaces tryptophan 175 with a stop codon.
Molecular consequence: nonsense.
Genome position (GRCh38, 1-based): chr13:76,996,086, G>A. VCF-style: chr13-76996086-G-A. GRCh37 (hg19) VCF-style: chr13-77570221-G-A.
Other names: p.W224*:TGG>TAG; c.524G>A, p.Trp175Ter (NM_001366624.2); c.671G>A (LRG_692t1); short protein forms W175*.
Identifiers: ClinVar variation 56544 (VCV000056544.32), dbSNP rs386833980, ClinGen allele CA263911.
Genomic context (GRCh38, chr13:76,996,086, plus strand): 5'-CCCCTTTCTGGTGTAATCAAGGCGCTGCCTGCTTTTTTGAGGGAATTGATGATGTTCACT[G>A]GAAGGAAAATGGGACATTAGTTCAAGTAGCAACTATATCAGGTAAGTTGTGAAAATATAG-3'

ClinVar aggregate classification (germline): Pathogenic/Likely pathogenic. Review status: criteria provided, multiple submitters, no conflicts (2 of 4 stars). 12 submissions from 12 submitters: Pathogenic (6); Likely pathogenic (4). 2 of the submissions do not count toward it. Last evaluated 2025-12-29.

Conditions:
CLN5-related disorder. Also called: CLN5-related condition.
Neuronal ceroid lipofuscinosis. Also called: Neuronal Ceroid Lipofuscinoses. Identifiers: Orphanet 216, Orphanet 79263, MedGen C0027877, MONDO:0016295. Disease mechanism: loss of function.
Neuronal ceroid lipofuscinosis 5 (CLN5). Also called: CEROID LIPOFUSCINOSIS, NEURONAL, 5, VARIABLE AGE AT ONSET; Neuronal ceroid lipofuscinosis Finnish variant; NEURONAL CEROID LIPOFUSCINOSIS, LATE INFANTILE, FINNISH VARIANT; CLN5-Related Neuronal Ceroid-Lipofuscinosis. Identifiers: Orphanet 168491, Orphanet 228360, MedGen C1850442, MONDO:0009745, OMIM 256731.

Allele frequency attached by ClinVar (database versions not stated): ExAC 0.00001; gnomAD exomes 0.00002 and 0.00009; gnomAD 0.00003 and 0.00004; TOPMed 0.00004; ESP Exome Variant Server 0.00008.
gnomAD v4.1: 137 of 1,613,986 alleles (0.0085%); highest among the groups gnomAD compares: Non-Finnish European, 0.011%; no homozygotes.

Submissions (12):

GeneDx
Classification: Likely pathogenic. Last evaluated: 2025-12-29. Review status: criteria provided, single submitter. Criteria: GeneDx Variant Classification Process June 2021. Collection method: clinical testing. Allele origin: germline. Affected: yes.
Comment: Nonsense variant predicted to result in protein truncation, as the last 184 amino acid(s) are lost, and other loss-of-function variants have been reported downstream in HGMD; Not observed at significant frequency in large population cohorts (gnomAD); This variant is associated with the following publications: (PMID: 25525159, 31980526, 30655561, 26342652, 21990111, 29655203, 32983231, 28542837, 31440721, 22727047, 20157158)

Labcorp Genetics (formerly Invitae), Labcorp
Classification: Pathogenic for Neuronal ceroid lipofuscinosis. Last evaluated: 2025-09-21. Review status: criteria provided, single submitter. Criteria: Invitae Variant Classification Sherloc (09022015). Collection method: clinical testing. Allele origin: germline.
Comment: This sequence change creates a premature translational stop signal (p.Trp224*) in the CLN5 gene. While this is not anticipated to result in nonsense mediated decay, it is expected to disrupt the last 184 amino acid(s) of the CLN5 protein. This variant is present in population databases (rs386833980, gnomAD 0.004%). This premature translational stop signal has been observed in individuals with neuronal ceroid lipofuscinosis (NCL) (PMID: 20157158). ClinVar contains an entry for this variant (Variation ID: 56544). This variant disrupts the C-terminus of the CLN5 protein. Other variant(s) that disrupt this region (p.Trp379*, p.Glu352*, p.Tyr342*) have been observed in individuals with CLN5-related conditions (PMID: 19201763, 23374165, 26342652). This suggests that this may be a clinically significant region of the protein. For these reasons, this variant has been classified as Pathogenic.

Natera, Inc.
Classification: Pathogenic for Neuronal ceroid lipofuscinosis. Last evaluated: 2025-04-19. Review status: criteria provided, single submitter. Criteria: Natera Variant Classification Schema (03/2026). Collection method: clinical testing. Allele origin: germline.
Comment: The c.671G>A variant in CLN5 is a nonsense variant predicted to introduce a stop codon at amino acid 224. This variant is expected to result in nonsense mediated decay, truncation, or a dysfunctional protein product. This variant is rare in the general population with a frequency below the threshold expected for the associated phenotype(s). This variant has been observed in one or more individuals affected with the associated recessive disease, as either homozygous or compound heterozygous with a second variant (PMID: 20157158, 28542837). Given the available evidence, this variant is classified as Pathogenic.

Baylor Genetics
Classification: Pathogenic for Neuronal ceroid lipofuscinosis 5. Last evaluated: 2024-02-21. Review status: criteria provided, single submitter. Criteria: ACMG Guidelines, 2015. Collection method: clinical testing. Allele origin: unknown.

Department of Pathology and Laboratory Medicine, Sinai Health System
Classification: Likely pathogenic for Neuronal ceroid lipofuscinosis 5. Last evaluated: 2022-10-20. Review status: criteria provided, single submitter. Criteria: ACMG Guidelines, 2015. Collection method: research. Allele origin: germline.

Revvity Omics, Revvity
Classification: Pathogenic for Neuronal ceroid lipofuscinosis 5. Last evaluated: 2022-10-18. Review status: criteria provided, single submitter. Criteria: ACMG Guidelines, 2015. Collection method: clinical testing. Allele origin: germline.

Blueprint Genetics
Classification: Likely pathogenic for CLN5-related disorders. Last evaluated: 2022-08-31. Review status: criteria provided, single submitter. Criteria: ACMG Guidelines, 2015. Collection method: clinical testing. Allele origin: germline. Affected: yes. Observed: 3 variant alleles.

Women's Health and Genetics/Laboratory Corporation of America, LabCorp
Classification: Pathogenic for Neuronal ceroid lipofuscinosis. Last evaluated: 2022-07-25. Review status: criteria provided, single submitter. Criteria: LabCorp Variant Classification Summary - May 2015. Collection method: clinical testing. Allele origin: germline.
Comment: Variant summary: CLN5 c.524G>A (p.Trp175X) results in a premature termination codon, predicted to cause a truncation of the encoded protein or absence of the protein due to nonsense mediated decay, which are commonly known mechanisms for disease. Truncations downstream of this position have been classified as pathogenic via ClinVar. The variant allele was found at a frequency of 1.6e-05 in 251446 control chromosomes. c.524G>A has been reported in the literature in individuals affected with Neuronal Ceroid-Lipofuscinosis (Batten Disease; eg. Xin_2010, Staropoli_2012, Luo_2020, etc.). These data indicate that the variant may be associated with disease. Five clinical diagnostic laboratories have submitted clinical-significance assessments for this variant to ClinVar after 2014 without evidence for independent evaluation. All laboratories classified the variant as pathogenic/likely pathogenic. Based on the evidence outlined above, the variant was classified as pathogenic.

Genome-Nilou Lab
Classification: Likely pathogenic for Neuronal ceroid lipofuscinosis 5. Last evaluated: 2021-08-10. Review status: criteria provided, single submitter. Criteria: ACMG Guidelines, 2015. Collection method: clinical testing. Allele origin: germline. Affected: no.

Mayo Clinic Laboratories, Mayo Clinic
Classification: Pathogenic. Last evaluated: 2019-04-16. Review status: criteria provided, single submitter. Criteria: ACMG Guidelines, 2015. Collection method: clinical testing. Allele origin: germline. Observed: 1 variant allele.
Comment: PVS1, PS4_moderate, PM2, PP4

Counsyl
Classification: Likely pathogenic for Ceroid lipofuscinosis neuronal 5. Last evaluated: 2015-01-22. Review status: no assertion criteria provided. Collection method: literature only. Allele origin: unknown. Inheritance: Autosomal recessive inheritance. Not counted in ClinVar's aggregate classification.

Juha Muilu Group; Institute for Molecular Medicine Finland (FIMM)
Classification: Likely pathogenic for Ceroid lipofuscinosis neuronal 5. Review status: no assertion criteria provided. Collection method: not provided. Allele origin: unknown. Not counted in ClinVar's aggregate classification.
Comment: FinDis database variant: This variant was not found or characterized by our laboratory, data were collected from public sources: see reference
ClinVar note: Converted during submission from probable-pathogenic to Likely pathogenic.

Literature cited by the submitters: PubMed 20157158 (cited by 5 submitters); PubMed 19201763 (cited by Labcorp Genetics (formerly Invitae), Labcorp); PubMed 23374165 (cited by Labcorp Genetics (formerly Invitae), Labcorp and Mayo Clinic Laboratories, Mayo Clinic); PubMed 26342652 (cited by Labcorp Genetics (formerly Invitae), Labcorp and Mayo Clinic Laboratories, Mayo Clinic); PubMed 28542837 (cited by Natera, Inc. and Mayo Clinic Laboratories, Mayo Clinic); PubMed 22727047 (cited by 3 submitters); PubMed 32983231 (cited by Women's Health and Genetics/Laboratory Corporation of America, LabCorp); PubMed 30655561 (cited by Women's Health and Genetics/Laboratory Corporation of America, LabCorp); PubMed 21990111 (cited by Mayo Clinic Laboratories, Mayo Clinic and Counsyl); PubMed 25525159 (cited by Mayo Clinic Laboratories, Mayo Clinic); PubMed 29655203 (cited by Mayo Clinic Laboratories, Mayo Clinic).